The following is an entry in ClinVar:

ClinVar aggregate classification (germline): Uncertain significance (1 of 4 stars; one submission).

Conditions:
Nephronophthisis-like nephropathy 1 (NPHPL1). Identifiers: Orphanet 655, MedGen C3150419, MONDO:0013163, OMIM 613159.

Allele frequency attached by ClinVar (database versions not stated): gnomAD exomes below 0.00001.

Submission:

Labcorp Genetics (formerly Invitae), Labcorp
Classification: Uncertain significance for Nephronophthisis-like nephropathy 1. Last evaluated: 2023-04-20. Review status: criteria provided, single submitter. Criteria: Invitae Variant Classification Sherloc (09022015). Collection method: clinical testing. Allele origin: germline.
Comment: In summary, the available evidence is currently insufficient to determine the role of this variant in disease. Therefore, it has been classified as a Variant of Uncertain Significance. An algorithm developed to predict the effect of missense changes on protein structure and function (PolyPhen-2) suggests that this variant is likely to be tolerated. ClinVar contains an entry for this variant (Variation ID: 2121113). This variant has not been reported in the literature in individuals affected with XPNPEP3-related conditions. This variant is present in population databases (no rsID available, gnomAD no frequency). This sequence change replaces glutamic acid, which is acidic and polar, with lysine, which is basic and polar, at codon 495 of the XPNPEP3 protein (p.Glu495Lys).

NM_022098.4(XPNPEP3):c.1483G>A (p.Glu495Lys)

Gene: XPNPEP3 (X-prolyl aminopeptidase 3; plus strand). Cytogenetic location: 22q13.2.
Variant type: single nucleotide variant.
Coding change: c.1483G>A on transcript NM_022098.4 (MANE Select); coding-DNA position 1483, G replaced by A.
Protein change: p.Glu495Lys; replaces glutamic acid 495 with lysine.
Molecular consequence: missense variant.
Genome position (GRCh38, 1-based): chr22:40,926,394, G>A. VCF-style: chr22-40926394-G-A. GRCh37 (hg19) VCF-style: chr22-41322398-G-A.
Other names: short protein forms E495K.
Identifiers: ClinVar variation 2121113 (VCV002121113.4), dbSNP rs1189438753, ClinGen allele CA411976509.
Genomic context (GRCh38, chr22:40,926,394, plus strand): 5'-GAGGATGATGTAGTGGTGACTCAGGACTCACCTCTCATCCTTTCTGCAGACTGTCCCAAA[G>A]AGATGAATGACATTGAACAGATATGCAGCCAGGCTTCTTGACCTTCACTGCGGCCCACAT-3'
Protein context (NP_071381.1, residues 485-505): PLILSADCPK[Glu495Lys]MNDIEQICSQ